The following is an entry in ClinVar:

NM_000218.3(KCNQ1):c.488del (p.Leu163fs)

Gene: KCNQ1 (potassium voltage-gated channel subfamily Q member 1; plus strand). Cytogenetic location: 11p15.5.
Variant type: Deletion.
Coding change: c.488del on transcript NM_000218.3 (MANE Select); coding-DNA position 488, one base deleted (T; older notation c.488delT).
Protein change: p.Leu163fs; shifts the reading frame from leucine 163.
Molecular consequence: frameshift variant.
Genome position (GRCh38, 1-based): chr11:2,570,638, T deleted. VCF-style (leftmost placement, unchanged base first): chr11-2570637-CT-C. GRCh37 (hg19) VCF-style: chr11-2591867-CT-C.
Other names: c.488delT, p.Leu163Argfs (NM_000218.2, NM_001406836.1); c.218delT, p.Leu73Argfs (NM_001406837.1); c.107delT, p.Leu36Argfs (NM_181798.2); short protein forms L36fs.
Identifiers: ClinVar variation 53050 (VCV000053050.23), dbSNP rs397508112, ClinGen allele CA007232.

ClinVar aggregate classification (germline): Pathogenic/Likely pathogenic. Review status: criteria provided, multiple submitters, no conflicts (2 of 4 stars). 8 submissions from 8 submitters: Pathogenic (6); Likely pathogenic (1). 1 of the submissions does not count toward it. Last evaluated 2026-06-10.

Conditions:
Cardiovascular phenotype. Identifiers: MedGen CN230736.
Jervell and Lange-Nielsen syndrome (JLNS). Also called: Jervell-Lange Nielsen syndrome. Identifiers: Orphanet 90647, MedGen C0022387, MONDO:0002441.
Rare genetic deafness. Identifiers: Orphanet 96210, MedGen C5680250.
Familial long QT syndrome (RWS). Also called: Congenital long QT syndrome; Romano-Ward syndrome; VENTRICULAR FIBRILLATION WITH PROLONGED QT INTERVAL. Identifiers: Orphanet 768, MedGen C1141890, MONDO:0019171.
KCNQ1-related disorder. Also called: KCNQ1-related condition; KCNQ1-related disorders. Identifiers: MedGen CN239322.
Long QT syndrome (LQTS). Identifiers: MedGen C0023976, MeSH D008133, MONDO:0002442. Disease mechanism: loss of function. Inheritance: Various modes of inheritance.
Long QT syndrome 1 (LQT1). Identifiers: Orphanet 101016, Orphanet 768, MedGen C4551647, MONDO:0100316, OMIM 192500, MONDO:0008646.

Allele frequency attached by ClinVar (database versions not stated): gnomAD exomes 0.00001.

Submissions (8):

Ambry Genetics
Classification: Pathogenic for Cardiovascular phenotype. Last evaluated: 2026-06-10. Review status: criteria provided, single submitter. Criteria: Ambry Variant Classification Scheme 2023. Collection method: clinical testing. Allele origin: germline.
Comment: The c.488delT (p.L163Rfs*74) alteration, located in exon 3 (coding exon 3) of the KCNQ1 gene, consists of a deletion of one nucleotide at position 488, causing a translational frameshift with a predicted alternate stop codon after 74 amino acids. This variant is expected to result in loss of function by premature protein truncation or nonsense-mediated mRNA decay. for autosomal dominant KCNQ1-related long QT syndrome, autosomal-recessive KCNQ1-related long QT syndrome, and autosomal-recessive Jervell and Lange-Nielsen syndrome (JLNS); however, it is unlikely to be causative of autosomal dominant KCNQ1-related short QT syndrome. This variant was not reported in population-based cohorts in the Genome Aggregation Database (gnomAD). This mutation has been reported in patients referred for long QT syndrome clinical genetic testing; however, clinical details are limited (Tester, 2005; Kapplinger, 2009). Based on the available evidence, this alteration is classified as pathogenic.

Labcorp Genetics (formerly Invitae), Labcorp
Classification: Pathogenic for Long QT syndrome. Last evaluated: 2025-09-14. Review status: criteria provided, single submitter. Criteria: Invitae Variant Classification Sherloc (09022015). Collection method: clinical testing. Allele origin: germline.
Comment: This sequence change creates a premature translational stop signal (p.Leu163Argfs*74) in the KCNQ1 gene. It is expected to result in an absent or disrupted protein product. Loss-of-function variants in KCNQ1 are known to be pathogenic (PMID: 9323054, 19862833). This variant is not present in population databases (gnomAD no frequency). This premature translational stop signal has been observed in individuals with sudden unexplained death (PMID: 22677073). This variant is also known as L163FS/X236. ClinVar contains an entry for this variant (Variation ID: 53050). For these reasons, this variant has been classified as Pathogenic.

All of Us Research Program, National Institutes of Health
Classification: Pathogenic for Long QT syndrome. Last evaluated: 2024-07-10. Review status: criteria provided, single submitter. Criteria: ACMG Guidelines, 2015. Collection method: clinical testing. Allele origin: germline. Inheritance: Autosomal dominant inheritance. Observed: 1 variant allele, 1 heterozygote.
Comment: This variant deletes 1 nucleotide in exon 3 of the KCNQ1 gene, creating a frameshift and premature translation stop signal. This variant is expected to result in an absent or non-functional protein product. This variant has been reported in two individuals affected with or suspected of having long QT syndrome (PMID: 19716085, 32893267) and in another two individuals affected with sudden unexplained death (PMID: 15840476, 22677073). This variant has not been identified in the general population by the Genome Aggregation Database (gnomAD). Loss of KCNQ1 function is a known mechanism of disease. Based on the available evidence, this variant is classified as Pathogenic.

This study involves interpretation of variants in research participants for the purpose of population health screening. Participant phenotype was not available at the time of variant classification. Additional details can be found in publication PMID: 35346344, PMCID: PMC8962531

GeneDx
Classification: Pathogenic. Last evaluated: 2023-02-08. Review status: criteria provided, single submitter. Criteria: GeneDx Variant Classification Process June 2021. Collection method: clinical testing. Allele origin: germline. Affected: yes.
Comment: Not observed in large population cohorts (gnomAD); Frameshift variant predicted to result in protein truncation or nonsense mediated decay in a gene for which loss-of-function is a known mechanism of disease; This variant is associated with the following publications: (PMID: 15466642, 15840476, 19716085, 19841300, 22677073, 31447099, 30122538, 33087929, 34319147)

AiLife Diagnostics
Classification: Pathogenic. Last evaluated: 2021-12-01. Review status: criteria provided, single submitter. Criteria: ACMG Guidelines, 2015. Collection method: clinical testing. Allele origin: germline. Affected: yes. Observed: 1 variant allele.

Human Genome Sequencing Center Clinical Lab, Baylor College of Medicine
Classification: Pathogenic for Long QT syndrome 1. Last evaluated: 2017-05-24. Review status: criteria provided, single submitter. Criteria: ACMG Guidelines, 2015. Collection method: clinical testing. Allele origin: germline.
Comment: The c.488del (p.Leu163Argfs*74) variant in the KCNE1 gene has been reported in a patient from a cohort of 388 patients referred for LQTS genetic testing with a family history of a first degree relative with a cardiac event during swimming [reported as V162fs in PMID 15840476, 15840476]. This variant has not been observed in the ExAC database but has been assessed in ClinVar. This one bp deletion in exon 3 results in a frameshift and the creation of a premature stop codon, and is predicted to result in a loss of function of KCNQ1. This variant is thus classified as pathogenic

Laboratory for Molecular Medicine, Mass General Brigham Personalized Medicine
Classification: Likely pathogenic for Rare genetic deafness; Isolated congenital long QT syndrome; Jervell and Lange-Nielsen syndrome. Last evaluated: 2015-02-02. Review status: criteria provided, single submitter. Criteria: LMM Criteria. Collection method: clinical testing. Allele origin: germline. Observed: 1 variant allele.
Comment: The p.Leu163fs variant in KCNQ1 has been previously reported in at least 1 indiv idual with long QT syndrome and is absent from large population databases (Choi 2004, Tester 2005, Kapplinger 2009). This variant is predicted to cause a frames hift, which alters the protein's amino acid sequence beginning at codon 163 and leads to a premature stop codon 74 amino acids downstream. This alteration is th en predicted to lead to a truncated or absent protein. Loss of function variants in KCNQ1 lead to Jervell and Lange-Nielsen syndrome (JLNS) in compound heterozy gous and homozygous individuals, while dominant-negative and loss-of-function va riants in KCNQ1 have been shown to cause dominantly inherited long QT syndrome 1 (also known as Romano-Ward syndrome)in heterozygous individuals. In summary, al though additional studies are required to fully establish its clinical significa nce, this variant meets our criteria to be classified as likely pathogenic based upon its impact to the prote in.

PreventionGenetics, part of Exact Sciences
Classification: Pathogenic for KCNQ1-related condition. Last evaluated: 2024-09-05. Review status: no assertion criteria provided. Collection method: clinical testing. Allele origin: germline. Not counted in ClinVar's aggregate classification.
Comment: The KCNQ1 c.488delT variant is predicted to result in a frameshift and premature protein termination (p.Leu163Argfs*74). This variant has been reported to be causative for long QT syndrome or sudden unexplained death (Table S1, Kapplinger et al. 2009. PubMed ID: 19716085; Tester et al. 2012. PubMed ID: 22677073). This variant has not been reported in a large population database, indicating this variant is rare. Frameshift variants in KCNQ1 are expected to be pathogenic. This variant is interpreted as pathogenic.

Literature cited by the submitters: PubMed 15840476 (cited by 4 submitters); PubMed 19716085 (cited by 3 submitters); PubMed 9323054 (cited by Labcorp Genetics (formerly Invitae), Labcorp); PubMed 19862833 (cited by Labcorp Genetics (formerly Invitae), Labcorp); PubMed 22677073 (cited by Labcorp Genetics (formerly Invitae), Labcorp and All of Us Research Program, National Institutes of Health); PubMed 32893267 (cited by All of Us Research Program, National Institutes of Health); PubMed 15466642 (cited by AiLife Diagnostics and Laboratory for Molecular Medicine, Mass General Brigham Personalized Medicine); PubMed 30122538 (cited by AiLife Diagnostics); PubMed 33087929 (cited by AiLife Diagnostics); PubMed 31447099 (cited by AiLife Diagnostics).